The following is an entry in ClinVar:

NM_001387690.1(KATNAL2):c.1300C>T (p.His434Tyr)

Gene: KATNAL2 (katanin catalytic subunit A1 like 2; plus strand). Cytogenetic location: 18q21.1.
Variant type: single nucleotide variant.
Coding change: c.1300C>T on transcript NM_001387690.1 (MANE Select); coding-DNA position 1300, C replaced by T.
Protein change: p.His434Tyr; replaces histidine 434 with tyrosine.
Molecular consequence: missense variant. On other transcripts: non-coding transcript variant (1).
Genome position (GRCh38, 1-based): chr18:47,099,331, C>T. VCF-style: chr18-47099331-C-T. GRCh37 (hg19) VCF-style: chr18-44625702-C-T.
Other names: c.1378C>T, p.His460Tyr (NM_001353899.1); c.1375C>T, p.His459Tyr (NM_001353900.1); c.967C>T, p.His323Tyr (NM_001353903.1); c.868C>T, p.His290Tyr (NM_001353904.1); c.1300C>T, p.His434Tyr (NM_001367621.1); c.1084C>T, p.His362Tyr (NM_031303.3); short protein forms H362Y, H434Y, H323Y, H459Y, H460Y, H290Y.
Identifiers: ClinVar variation 588217 (VCV000588217.5), dbSNP rs750752777, ClinGen allele CA402392484.

ClinVar aggregate classification (germline): Uncertain significance (1 of 4 stars; one submission).

Submission:

Ambry Genetics
Classification: Uncertain significance. Last evaluated: 2016-09-02. Review status: criteria provided, single submitter. Criteria: Ambry Variant Classification Scheme 2023. Collection method: clinical testing. Allele origin: germline.
Comment: The p.H362Y variant (also known as c.1084C>T), located in coding exon 12 of the KATNAL2 gene, results from a C to T substitution at nucleotide position 1084. The histidine at codon 362 is replaced by tyrosine, an amino acid with similar properties. This variant was not reported in population based cohorts in the following databases: Database of Single Nucleotide Polymorphisms (dbSNP), NHLBI Exome Sequencing Project (ESP), and 1000 Genomes Project. In the ESP, this variant was not observed in 6503 samples (13006 alleles) with coverage at this position. This amino acid position is highly conserved in available vertebrate species. In addition, this alteration is predicted to be deleterious by in silico analysis. Since supporting evidence is limited at this time, the clinical significance of this variant remains unclear.